The following is an entry in ClinVar:

NM_002858.4(ABCD3):c.1654G>A (p.Gly552Ser)

Gene: ABCD3 (ATP binding cassette subfamily D member 3; plus strand). Cytogenetic location: 1p21.3.
Variant type: single nucleotide variant.
Coding change: c.1654G>A on transcript NM_002858.4 (MANE Select); coding-DNA position 1654, G replaced by A.
Protein change: p.Gly552Ser; replaces glycine 552 with serine.
Molecular consequence: missense variant.
Genome position (GRCh38, 1-based): chr1:94,499,528, G>A. VCF-style: chr1-94499528-G-A. GRCh37 (hg19) VCF-style: chr1-94965084-G-A.
Other names: short protein forms G552S.
Identifiers: ClinVar variation 2008602 (VCV002008602.4), dbSNP rs1190514974, ClinGen allele CA341305532.

ClinVar aggregate classification (germline): Uncertain significance (1 of 4 stars; one submission).

Submission:

Labcorp Genetics (formerly Invitae), Labcorp
Classification: Uncertain significance. Last evaluated: 2022-06-20. Review status: criteria provided, single submitter. Criteria: Invitae Variant Classification Sherloc (09022015). Collection method: clinical testing. Allele origin: germline.
Comment: This variant has not been reported in the literature in individuals affected with ABCD3-related conditions. Algorithms developed to predict the effect of missense changes on protein structure and function output the following: SIFT: "Tolerated"; PolyPhen-2: "Benign"; Align-GVGD: "Class C0". The serine amino acid residue is found in multiple mammalian species, which suggests that this missense change does not adversely affect protein function. In summary, the available evidence is currently insufficient to determine the role of this variant in disease. Therefore, it has been classified as a Variant of Uncertain Significance. This variant is not present in population databases (gnomAD no frequency). This sequence change replaces glycine, which is neutral and non-polar, with serine, which is neutral and polar, at codon 552 of the ABCD3 protein (p.Gly552Ser).